The following is an entry in ClinVar:

NM_001009944.3(PKD1):c.9264C>T (p.Tyr3088=)

Gene: PKD1 (polycystin 1, transient receptor potential channel interacting; minus strand). Cytogenetic location: 16p13.3.
Variant type: single nucleotide variant.
Coding change: c.9264C>T on transcript NM_001009944.3 (MANE Select); coding-DNA position 9264, C replaced by T.
Protein change: p.Tyr3088=; no amino-acid change (tyrosine 3088 retained).
Molecular consequence: synonymous variant.
Genome position (GRCh38, 1-based): chr16:2,102,194, G>A on the plus strand (C>T on the coding strand, the complement: PKD1 is on the minus strand). VCF-style: chr16-2102194-G-A. GRCh37 (hg19) VCF-style: chr16-2152195-G-A.
Other names: p.Tyr3088=; c.9264C>T, p.Tyr3088= (NM_000296.4).
Identifiers: ClinVar variation 4684047 (VCV004684047.1).
Genomic context (GRCh38, chr16:2,102,194, plus strand): 5'-GGCGCGGCCCCGGCTGGCATCCAACTGGTCCAGCTTGTGCAGGATGGCGGCCATGACCAT[G>A]TAGGTCACCAGGCACACAGCACATGTCAGCATGACGATGTAGTTTACATCCGCTGTCGGC-3'
Protein context (NP_001009944.3, residues 3078-3098): MLTCAVCLVT[Tyr3088=]MVMAAILHKL

ClinVar aggregate classification (germline): Likely benign (1 of 4 stars; one submission).

gnomAD v4.1: 30 of 1,508,072 alleles (0.002%); highest among the groups gnomAD compares: Non-Finnish European, 0.0026%; no homozygotes.

Submission:

Mayo Clinic Laboratories, Mayo Clinic
Classification: Likely benign. Last evaluated: 2025-10-14. Review status: criteria provided, single submitter. Criteria: ACMG Guidelines, 2015. Collection method: clinical testing. Allele origin: germline. Observed: 2 variant alleles.
Comment: BP4, BP7